The following is an entry in ClinVar:

ClinVar aggregate classification (germline): Likely benign (0 of 4 stars; one submission).

Conditions:
VWA2-related disorder. Also called: VWA2-related condition.

Allele frequency attached by ClinVar (database versions not stated): ESP Exome Variant Server 0.00015; ExAC 0.00026.
gnomAD v4.1: 287 of 1,613,198 alleles (0.018%); highest among the groups gnomAD compares: East Asian, 0.11%; 2 homozygotes.

Submission:

PreventionGenetics, part of Exact Sciences
Classification: Likely benign for VWA2-related condition. Last evaluated: 2020-08-04. Review status: no assertion criteria provided. Collection method: clinical testing. Allele origin: germline.
Comment: This variant is classified as likely benign based on ACMG/AMP sequence variant interpretation guidelines (Richards et al. 2015 PMID: 25741868, with internal and published modifications).

NM_001272046.2(VWA2):c.1395G>A (p.Ala465=)

Genes: AFAP1L2 (actin filament associated protein 1 like 2; minus strand), VWA2 (von Willebrand factor A domain containing 2; plus strand). Cytogenetic location: 10q25.3.
Variant type: single nucleotide variant.
Coding change: c.1395G>A on transcript NM_001272046.2 (MANE Select); coding-DNA position 1395, G replaced by A.
Protein change: p.Ala465=; no amino-acid change (alanine 465 retained).
Molecular consequence: synonymous variant.
Genome position (GRCh38, 1-based): chr10:114,286,336, G>A. VCF-style: chr10-114286336-G-A. GRCh37 (hg19) VCF-style: chr10-116046095-G-A.
Other names: c.1395G>A, p.Ala465= (NM_001320804.1).
Identifiers: ClinVar variation 3041109 (VCV003041109.2), dbSNP rs151238811, ClinGen allele CA5700681.